The following is an entry in ClinVar:

ClinVar aggregate classification (germline): Uncertain significance (1 of 4 stars; one submission).

Conditions:
Neuromuscular disease caused by qualitative or quantitative defects of dysferlin. Also called: Qualitative or quantitative defects of dysferlin; Dysferlinopathy. Identifiers: Orphanet 207073, MedGen C2931687, MONDO:0016145.

Submission:

Labcorp Genetics (formerly Invitae), Labcorp
Classification: Uncertain significance for Neuromuscular disease caused by qualitative or quantitative defects of dysferlin. Last evaluated: 2021-09-14. Review status: criteria provided, single submitter. Criteria: Invitae Variant Classification Sherloc (09022015). Collection method: clinical testing. Allele origin: germline.
Comment: In summary, the available evidence is currently insufficient to determine the role of this variant in disease. Therefore, it has been classified as a Variant of Uncertain Significance. Algorithms developed to predict the effect of missense changes on protein structure and function output the following: SIFT: "Tolerated"; PolyPhen-2: "Possibly Damaging"; Align-GVGD: "Class C0". The serine amino acid residue is found in multiple mammalian species, which suggests that this missense change does not adversely affect protein function. This variant has not been reported in the literature in individuals affected with DYSF-related conditions. This variant is not present in population databases (ExAC no frequency). This sequence change replaces glycine with serine at codon 909 of the DYSF protein (p.Gly909Ser). The glycine residue is moderately conserved and there is a small physicochemical difference between glycine and serine.

NM_001130987.2(DYSF):c.2779G>A (p.Gly927Ser)

Gene: DYSF (dysferlin; plus strand). Cytogenetic location: 2p13.2.
Variant type: single nucleotide variant.
Coding change: c.2779G>A on transcript NM_001130987.2 (MANE Select); coding-DNA position 2779, G replaced by A.
Protein change: p.Gly927Ser; replaces glycine 927 with serine.
Molecular consequence: missense variant.
Genome position (GRCh38, 1-based): chr2:71,568,253, G>A. VCF-style: chr2-71568253-G-A. GRCh37 (hg19) VCF-style: chr2-71795383-G-A.
Other names: c.2821G>A, p.Gly941Ser (NM_001130982.2); c.2728G>A, p.Gly910Ser (NM_001130983.2, NM_001130455.2); c.2686G>A, p.Gly896Ser (NM_001130984.2, NM_001130986.2); c.2779G>A, p.Gly927Ser (NM_001130985.2); c.2683G>A, p.Gly895Ser (NM_001130976.2, NM_001130977.2); c.2725G>A, p.Gly909Ser (NM_001130978.2, NM_003494.4); c.2818G>A, p.Gly940Ser (NM_001130979.2); c.2776G>A, p.Gly926Ser (NM_001130980.2, NM_001130981.2); short protein forms G926S, G896S, G909S, G927S, G941S, G895S, G910S, G940S.
Identifiers: ClinVar variation 1433820 (VCV001433820.8), dbSNP rs936655959, ClinGen allele CA49744831.